The following is an entry in ClinVar:

ClinVar aggregate classification (germline): Uncertain significance (1 of 4 stars; one submission).

Submission:

GeneDx
Classification: Uncertain significance. Last evaluated: 2025-05-13. Review status: criteria provided, single submitter. Criteria: GeneDx Variant Classification Process June 2021. Collection method: clinical testing. Allele origin: germline. Affected: yes.
Comment: Not observed at significant frequency in large population cohorts (gnomAD); In silico analysis supports that this missense variant has a deleterious effect on protein structure/function; Has not been previously published as pathogenic or benign to our knowledge

NM_014727.3(KMT2B):c.3929C>T (p.Pro1310Leu)

Gene: KMT2B (lysine methyltransferase 2B; plus strand). Cytogenetic location: 19q13.12.
Variant type: single nucleotide variant.
Coding change: c.3929C>T on transcript NM_014727.3 (MANE Select); coding-DNA position 3929, C replaced by T.
Protein change: p.Pro1310Leu; replaces proline 1310 with leucine.
Molecular consequence: missense variant.
Genome position (GRCh38, 1-based): chr19:35,726,279, C>T. VCF-style: chr19-35726279-C-T. GRCh37 (hg19) VCF-style: chr19-36217180-C-T.
Other names: short protein forms P1310L.
Identifiers: ClinVar variation 4529533 (VCV004529533.1).